The following is an entry in ClinVar:

ClinVar aggregate classification (germline): Uncertain significance (1 of 4 stars; one submission).

Allele frequency attached by ClinVar (database versions not stated): ExAC 0.00001.

Submission:

Labcorp Genetics (formerly Invitae), Labcorp
Classification: Uncertain significance. Last evaluated: 2022-03-08. Review status: criteria provided, single submitter. Criteria: Invitae Variant Classification Sherloc (09022015). Collection method: clinical testing. Allele origin: germline.
Comment: This sequence change replaces arginine, which is basic and polar, with leucine, which is neutral and non-polar, at codon 5 of the NEU1 protein (p.Arg5Leu). This variant is present in population databases (rs765669904, gnomAD 0.0009%). This variant has not been reported in the literature in individuals affected with NEU1-related conditions. Algorithms developed to predict the effect of missense changes on protein structure and function output the following: SIFT: "Tolerated"; PolyPhen-2: "Benign"; Align-GVGD: "Class C0". The leucine amino acid residue is found in multiple mammalian species, which suggests that this missense change does not adversely affect protein function. In summary, the available evidence is currently insufficient to determine the role of this variant in disease. Therefore, it has been classified as a Variant of Uncertain Significance.

NM_000434.4(NEU1):c.14G>T (p.Arg5Leu)

Gene: NEU1 (neuraminidase 1; minus strand). Cytogenetic location: 6p21.33.
Variant type: single nucleotide variant.
Coding change: c.14G>T on transcript NM_000434.4 (MANE Select); coding-DNA position 14, G replaced by T.
Protein change: p.Arg5Leu; replaces arginine 5 with leucine.
Molecular consequence: missense variant.
Genome position (GRCh38, 1-based): chr6:31,862,763, C>A on the plus strand (G>T on the coding strand, the complement: NEU1 is on the minus strand). VCF-style: chr6-31862763-C-A. GRCh37 (hg19) VCF-style: chr6-31830540-C-A.
Other names: short protein forms R5L.
Identifiers: ClinVar variation 1986161 (VCV001986161.1), dbSNP rs765669904, ClinGen allele CA3725120.